The following is an entry in ClinVar:

ClinVar aggregate classification (germline): Uncertain significance (1 of 4 stars; one submission).

Submission:

CeGaT Center for Human Genetics Tuebingen
Classification: Uncertain significance. Last evaluated: 2026-02-01. Review status: criteria provided, single submitter. Criteria: CeGaT Center For Human Genetics Tuebingen Variant Classification Criteria Version 2. Collection method: clinical testing. Allele origin: germline. Affected: yes. Observed: 1 variant allele.
Comment: PHKA2: PM2, PM3:Supporting

NM_000292.3(PHKA2):c.1548A>C (p.Gln516His)

Gene: PHKA2 (phosphorylase kinase regulatory subunit alpha 2; minus strand). Cytogenetic location: Xp22.13.
Variant type: single nucleotide variant.
Coding change: c.1548A>C on transcript NM_000292.3 (MANE Select); coding-DNA position 1548, A replaced by C.
Protein change: p.Gln516His; replaces glutamine 516 with histidine.
Molecular consequence: missense variant.
Genome position (GRCh38, 1-based): chrX:18,925,689, T>G on the plus strand (A>C on the coding strand, the complement: PHKA2 is on the minus strand). VCF-style: chrX-18925689-T-G. GRCh37 (hg19) VCF-style: chrX-18943807-T-G.
Other names: c.1548A>C, p.Gln516His (NM_001440800.1, NM_001440801.1, NM_001440805.1); c.1449A>C, p.Gln483His (NM_001440802.1, NM_001440803.1, NM_001440804.1); short protein forms Q483H, Q516H.
Identifiers: ClinVar variation 4822365 (VCV004822365.4).